The following is an entry in ClinVar:

NM_000400.4(ERCC2):c.2190+98G>A

Gene: ERCC2 (ERCC excision repair 2, TFIIH core complex helicase subunit; minus strand). Cytogenetic location: 19q13.32.
Variant type: single nucleotide variant.
Coding change: c.2190+98G>A on transcript NM_000400.4 (MANE Select); 98 bases into the intron after coding-DNA position 2190, G replaced by A.
Molecular consequence: intron variant.
Genome position (GRCh38, 1-based): chr19:45,352,111, C>T on the plus strand (G>A on the coding strand, the complement: ERCC2 is on the minus strand). VCF-style: chr19-45352111-C-T. GRCh37 (hg19) VCF-style: chr19-45855369-C-T.
Identifiers: ClinVar variation 2650102 (VCV002650102.24), dbSNP rs898878856, ClinGen allele CA308948308.

ClinVar aggregate classification (germline): Uncertain significance (1 of 4 stars; one submission).

Allele frequency attached by ClinVar (database versions not stated): gnomAD 0.00001; TOPMed 0.00001.

Submission:

CeGaT Center for Human Genetics Tuebingen
Classification: Uncertain significance. Last evaluated: 2023-10-01. Review status: criteria provided, single submitter. Criteria: CeGaT Center For Human Genetics Tuebingen Variant Classification Criteria Version 2. Collection method: clinical testing. Allele origin: germline. Affected: yes. Observed: 1 variant allele.
Comment: ERCC2: PM2